The following is an entry in ClinVar:

ClinVar aggregate classification (germline): Pathogenic (1 of 4 stars; one submission).

Conditions:
RASopathy. Also called: rasopathies; Noonan spectrum disorder. Identifiers: Orphanet 536391, MedGen C5555857, MONDO:0021060.

Submission:

Labcorp Genetics (formerly Invitae), Labcorp
Classification: Pathogenic for RASopathy. Last evaluated: 2025-09-02. Review status: criteria provided, single submitter. Criteria: Invitae Variant Classification Sherloc (09022015). Collection method: clinical testing. Allele origin: germline.
Comment: This sequence change replaces glycine, which is neutral and non-polar, with valine, which is neutral and non-polar, at codon 132 of the MAP2K2 protein (p.Gly132Val). This variant is not present in population databases (gnomAD no frequency). This missense change has been observed in individuals with clinical features of cardio-facio-cutaneous (CFC) syndrome (PMID: 17366577, 30141192; internal data). ClinVar contains an entry for this variant (Variation ID: 1495968). Invitae Evidence Modeling of protein sequence and biophysical properties (such as structural, functional, and spatial information, amino acid conservation, physicochemical variation, residue mobility, and thermodynamic stability) indicates that this missense variant is expected to disrupt MAP2K2 protein function with a positive predictive value of 95%. Experimental studies have shown that this missense change affects MAP2K2 function (PMID: 19376813). This variant disrupts the p.Gly132 amino acid residue in MAP2K2. Other variant(s) that disrupt this residue have been observed in individuals with MAP2K2-related conditions (PMID: 21178588), which suggests that this may be a clinically significant amino acid residue. For these reasons, this variant has been classified as Pathogenic.

Literature cited by the submitters: PubMed 17366577; PubMed 30141192; PubMed 19376813; PubMed 21178588.

NM_030662.4(MAP2K2):c.395G>T (p.Gly132Val)

Gene: MAP2K2 (mitogen-activated protein kinase kinase 2; minus strand). Cytogenetic location: 19p13.3.
Variant type: single nucleotide variant.
Coding change: c.395G>T on transcript NM_030662.4 (MANE Select); coding-DNA position 395, G replaced by T.
Protein change: p.Gly132Val; replaces glycine 132 with valine.
Molecular consequence: missense variant.
Genome position (GRCh38, 1-based): chr19:4,110,564, C>A on the plus strand (G>T on the coding strand, the complement: MAP2K2 is on the minus strand). VCF-style: chr19-4110564-C-A. GRCh37 (hg19) VCF-style: chr19-4110562-C-A.
Other names: short protein forms G132V.
Identifiers: ClinVar variation 1495968 (VCV001495968.8), dbSNP rs387906800, ClinGen allele CA403391424.